The following is an entry in ClinVar:

ClinVar aggregate classification (germline): Pathogenic/Likely pathogenic. Review status: criteria provided, multiple submitters, no conflicts (2 of 4 stars). 2 submissions from 2 submitters: Pathogenic (1); Likely pathogenic (1). Last evaluated 2024-01-29.

Conditions:
Congenital myopathy. Identifiers: Orphanet 97245, MedGen C0270960, MONDO:0019952.
Hyperkalemic periodic paralysis. Also called: Familial hyperkalemic periodic paralysis; Gamstorp disease. Identifiers: Orphanet 682, MedGen C0238357, MONDO:0008224, OMIM 170500, HP:0007215.

Submissions (2):

Labcorp Genetics (formerly Invitae), Labcorp
Classification: Pathogenic for Hyperkalemic periodic paralysis. Last evaluated: 2024-01-29. Review status: criteria provided, single submitter. Criteria: Invitae Variant Classification Sherloc (09022015). Collection method: clinical testing. Allele origin: germline.
Comment: This sequence change creates a premature translational stop signal (p.Glu974Argfs*67) in the SCN4A gene. It is expected to result in an absent or disrupted protein product. Loss-of-function variants in SCN4A are known to be pathogenic (PMID: 26700687). This variant is not present in population databases (gnomAD no frequency). This premature translational stop signal has been observed in individual(s) with autosomal recessive congenital myopathy (Invitae). ClinVar contains an entry for this variant (Variation ID: 645345). For these reasons, this variant has been classified as Pathogenic.

Clinical Genomics Laboratory, Washington University in St. Louis
Classification: Likely pathogenic for Congenital myopathy. Last evaluated: 2023-08-02. Review status: criteria provided, single submitter. Criteria: ACMG Guidelines, 2015. Collection method: clinical testing. Allele origin: germline. Affected: yes.
Comment: This variant causes a frameshift by deleting one nucleotide, leading to a premature termination codon and nonsense mediated decay; loss of SCN4A function is a known mechanism of disease. This variant is absent from the general population (gnomAD v.2.1.1), indicating it is not a common variant. This variant has been submitted to the ClinVar database as pathogenic by one clinical laboratory (Variation ID: 645345). Based on available information, and based on ACMG/AMP guidelines for variant interpretation (Richards S et al., PMID: 25741868), this variant is classified as likely pathogenic.

Literature cited by the submitters: PubMed 26700687 (cited by Labcorp Genetics (formerly Invitae), Labcorp).

NM_000334.4(SCN4A):c.2919del (p.Glu974fs)

Genes: GH-LCR (growth hormone locus control region; plus strand), SCN4A (sodium voltage-gated channel alpha subunit 4; minus strand). Cytogenetic location: 17q23.3.
Variant type: Deletion.
Coding change: c.2919del on transcript NM_000334.4 (MANE Select); coding-DNA position 2919, one base deleted (C; older notation c.2919delC).
Protein change: p.Glu974fs; shifts the reading frame from glutamic acid 974.
Molecular consequence: frameshift variant.
Genome position (GRCh38, 1-based): chr17:63,949,463, G deleted on the plus strand (C on the coding strand, the reverse complement: SCN4A is on the minus strand); the first of 6 consecutive G bases (chr17:63,949,463-63,949,468); deleting any one gives the same sequence. VCF-style (leftmost placement, unchanged base first): chr17-63949462-CG-C. GRCh37 (hg19) VCF-style: chr17-62026822-CG-C.
Other names: c.2919delC (NM_000334.4); short protein forms E974fs.
Identifiers: ClinVar variation 645345 (VCV000645345.10), dbSNP rs1567819905, ClinGen allele CA915950731.